The following is an entry in ClinVar:

ClinVar aggregate classification (germline): Pathogenic (1 of 4 stars; one submission).

Allele frequency attached by ClinVar (database versions not stated): gnomAD exomes below 0.00001; ExAC 0.00001.
gnomAD v4.1: 6 of 1,614,148 alleles (0.00037%); highest among the groups gnomAD compares: Non-Finnish European, 0.00051%; no homozygotes.

Submission:

Labcorp Genetics (formerly Invitae), Labcorp
Classification: Pathogenic. Last evaluated: 2022-07-10. Review status: criteria provided, single submitter. Criteria: Invitae Variant Classification Sherloc (09022015). Collection method: clinical testing. Allele origin: germline.
Comment: For these reasons, this variant has been classified as Pathogenic. This variant has not been reported in the literature in individuals affected with CEP250-related conditions. This variant is present in population databases (rs754488798, gnomAD 0.002%). This sequence change creates a premature translational stop signal (p.Gln2277*) in the CEP250 gene. It is expected to result in an absent or disrupted protein product. Loss-of-function variants in CEP250 are known to be pathogenic (PMID: 24780881, 29718797).

Literature cited by the submitters: PubMed 24780881; PubMed 29718797.

NM_007186.6(CEP250):c.6829C>T (p.Gln2277Ter)

Gene: CEP250 (centrosomal protein 250; plus strand). Cytogenetic location: 20q11.22.
Variant type: single nucleotide variant.
Coding change: c.6829C>T on transcript NM_007186.6 (MANE Select); coding-DNA position 6829, C replaced by T.
Protein change: p.Gln2277Ter; replaces glutamine 2277 with a stop codon.
Molecular consequence: nonsense.
Genome position (GRCh38, 1-based): chr20:35,508,113, C>T. VCF-style: chr20-35508113-C-T. GRCh37 (hg19) VCF-style: chr20-34095942-C-T.
Other names: c.4933C>T, p.Gln1645Ter (NM_001318219.1); short protein forms Q1645*, Q2277*.
Identifiers: ClinVar variation 1951434 (VCV001951434.5), dbSNP rs754488798, ClinGen allele CA9834162.